The following is an entry in ClinVar:

ClinVar aggregate classification (germline): Uncertain significance (1 of 4 stars; one submission).

Allele frequency attached by ClinVar (database versions not stated): TOPMed 0.00001.

Submission:

Ambry Genetics
Classification: Uncertain significance. Last evaluated: 2023-07-13. Review status: criteria provided, single submitter. Criteria: Ambry Variant Classification Scheme 2023. Collection method: clinical testing. Allele origin: germline.
Comment: The p.W2200C variant (also known as c.6600G>C), located in coding exon 22 of the POLQ gene, results from a G to C substitution at nucleotide position 6600. The tryptophan at codon 2200 is replaced by cysteine, an amino acid with highly dissimilar properties. This amino acid position is conserved. In addition, this alteration is predicted to be deleterious by in silico analysis. Since supporting evidence is limited at this time, the clinical significance of this alteration remains unclear.

NM_199420.4(POLQ):c.6600G>C (p.Trp2200Cys)

Gene: POLQ (DNA polymerase theta; minus strand). Cytogenetic location: 3q13.33.
Variant type: single nucleotide variant.
Coding change: c.6600G>C on transcript NM_199420.4 (MANE Select); coding-DNA position 6600, G replaced by C.
Protein change: p.Trp2200Cys; replaces tryptophan 2200 with cysteine.
Molecular consequence: missense variant.
Genome position (GRCh38, 1-based): chr3:121,472,108, C>G on the plus strand (G>C on the coding strand, the complement: POLQ is on the minus strand). VCF-style: chr3-121472108-C-G. GRCh37 (hg19) VCF-style: chr3-121190955-C-G.
Other names: short protein forms W2200C.
Identifiers: ClinVar variation 2624454 (VCV002624454.2), dbSNP rs2047888264, ClinGen allele CA354085469.